The following is an entry in ClinVar:

ClinVar aggregate classification (germline): Uncertain significance (1 of 4 stars; one submission).

Conditions:
Sphingolipid activator protein 1 deficiency. Also called: Saposin B Deficiency; METACHROMATIC LEUKODYSTROPHY DUE TO CEREBROSIDE SULFATASE ACTIVATOR DEFICIENCY; Metachromatic leukodystrophy due to saposin B deficiency. Identifiers: Orphanet 512, MedGen C0268262, MONDO:0009590, OMIM 249900.

Allele frequency attached by ClinVar (database versions not stated): gnomAD exomes below 0.00001; gnomAD 0.00001.
gnomAD v4.1: 4 of 1,614,028 alleles (0.00025%); no homozygotes.

Submission:

Labcorp Genetics (formerly Invitae), Labcorp
Classification: Uncertain significance for Sphingolipid activator protein 1 deficiency. Last evaluated: 2021-01-07. Review status: criteria provided, single submitter. Criteria: Invitae Variant Classification Sherloc (09022015). Collection method: clinical testing. Allele origin: germline.
Comment: This sequence change replaces lysine with glutamic acid at codon 262 of the PSAP protein (p.Lys262Glu). The lysine residue is highly conserved and there is a small physicochemical difference between lysine and glutamic acid. This variant is not present in population databases (ExAC no frequency). This variant has not been reported in the literature in individuals with PSAP-related conditions. Algorithms developed to predict the effect of missense changes on protein structure and function are either unavailable or do not agree on the potential impact of this missense change (SIFT: "Not Available"; PolyPhen-2: "Possibly Damaging"; Align-GVGD: "Not Available"). In summary, the available evidence is currently insufficient to determine the role of this variant in disease. Therefore, it has been classified as a Variant of Uncertain Significance.

NM_002778.4(PSAP):c.784A>G (p.Lys262Glu)

Gene: PSAP (prosaposin; minus strand). Cytogenetic location: 10q22.1.
Variant type: single nucleotide variant.
Coding change: c.784A>G on transcript NM_002778.4 (MANE Select); coding-DNA position 784, A replaced by G.
Protein change: p.Lys262Glu; replaces lysine 262 with glutamic acid.
Molecular consequence: missense variant.
Genome position (GRCh38, 1-based): chr10:71,822,001, T>C on the plus strand (A>G on the coding strand, the complement: PSAP is on the minus strand). VCF-style: chr10-71822001-T-C. GRCh37 (hg19) VCF-style: chr10-73581758-T-C.
Other names: c.793A>G, p.Lys265Glu (NM_001042465.3); c.790A>G, p.Lys264Glu (NM_001042466.3); short protein forms K265E, K262E, K264E.
Identifiers: ClinVar variation 1480722 (VCV001480722.6), dbSNP rs1842310521, ClinGen allele CA377148211.
Genomic context (GRCh38, chr10:71,822,001, plus strand): 5'-GAGTCTGCATGGGCATCTCTTTCACCTCATCACAGAACCCAACCAGCGCACAGATCTCCT[T>C]GGGTTGCTGAAGAGAGCACAGAACAACCAGTCAGCAGCAAGCCTACGCCCACTGCTCCTC-3'
Protein context (NP_002769.1, residues 252-272): AIQMMMHMQP[Lys262Glu]EICALVGFCD